The following is an entry in ClinVar:

ClinVar aggregate classification (germline): Conflicting classifications of pathogenicity. Review status: criteria provided, conflicting classifications (1 of 4 stars). 3 submissions from 3 submitters: Uncertain significance (2); Likely benign (1). Last evaluated 2024-08-07.

Conditions:
Familial cancer of breast. Also called: BREAST CANCER, FAMILIAL; hereditary breast carcinoma; Hereditary breast cancer. Identifiers: Orphanet 227535, MedGen C0346153, MONDO:0016419, OMIM 114480. Disease mechanism: loss of function.
Fanconi anemia complementation group J. Also called: BRIP1-Related Fanconi Anemia. Identifiers: Orphanet 84, MedGen C1836860, MONDO:0012187, OMIM 609054.
Hereditary cancer-predisposing syndrome. Also called: Hereditary neoplastic syndrome; Neoplastic Syndromes, Hereditary; Hereditary Cancer Syndrome; Tumor predisposition. Identifiers: Orphanet 140162, MedGen C0027672, MeSH D009386, MONDO:0015356.

Allele frequency attached by ClinVar (database versions not stated): gnomAD 0.00001; gnomAD exomes 0.00001 and 0.00004; TOPMed 0.00001; ExAC 0.00006.
gnomAD v4.1: 14 of 1,613,466 alleles (0.00087%); highest among the groups gnomAD compares: Non-Finnish European, 0.00093%; no homozygotes.

Submissions (3):

Labcorp Genetics (formerly Invitae), Labcorp
Classification: Uncertain significance for Familial cancer of breast; Fanconi anemia complementation group J. Last evaluated: 2024-08-07. Review status: criteria provided, single submitter. Criteria: Invitae Variant Classification Sherloc (09022015). Collection method: clinical testing. Allele origin: germline.
Comment: This sequence change replaces lysine, which is basic and polar, with glutamine, which is neutral and polar, at codon 1177 of the BRIP1 protein (p.Lys1177Gln). This variant is present in population databases (rs756313788, gnomAD 0.008%). This variant has not been reported in the literature in individuals affected with BRIP1-related conditions. ClinVar contains an entry for this variant (Variation ID: 571344). An algorithm developed to predict the effect of missense changes on protein structure and function outputs the following: PolyPhen-2: "Benign". The glutamine amino acid residue is found in multiple mammalian species, which suggests that this missense change does not adversely affect protein function. In summary, the available evidence is currently insufficient to determine the role of this variant in disease. Therefore, it has been classified as a Variant of Uncertain Significance.

St. Jude Molecular Pathology, St. Jude Children's Research Hospital
Classification: Uncertain significance for Familial cancer of breast. Last evaluated: 2023-08-17. Review status: criteria provided, single submitter. Criteria: St. Jude Assertion Criteria 2020. Collection method: clinical testing. Allele origin: germline.
Comment: The BRIP1 c.3529A>C (p.Lys1177Gln) missense change has a maximum subpopulation frequency of 0.0079% in gnomAD v2.1.1. The in silico tool REVEL predicts a benign effect on protein function, but to our knowledge this prediction has not been confirmed by functional studies. To our knowledge, this variant has not been reported in individuals with BRIP1-related disease. In summary, the evidence currently available is insufficient to determine the clinical significance of this variant. It has therefore been classified as of uncertain significance.

Ambry Genetics
Classification: Likely benign for Hereditary cancer-predisposing syndrome. Last evaluated: 2018-11-01. Review status: criteria provided, single submitter. Criteria: Ambry Variant Classification Scheme 2023. Collection method: clinical testing. Allele origin: germline.

NM_032043.3(BRIP1):c.3529A>C (p.Lys1177Gln)

Gene: BRIP1 (BRCA1 interacting DNA helicase 1; minus strand). Cytogenetic location: 17q23.2.
Variant type: single nucleotide variant.
Coding change: c.3529A>C on transcript NM_032043.3 (MANE Select); coding-DNA position 3529, A replaced by C.
Protein change: p.Lys1177Gln; replaces lysine 1177 with glutamine.
Molecular consequence: missense variant.
Genome position (GRCh38, 1-based): chr17:61,683,517, T>G on the plus strand (A>C on the coding strand, the complement: BRIP1 is on the minus strand). VCF-style: chr17-61683517-T-G. GRCh37 (hg19) VCF-style: chr17-59760878-T-G.
Other names: short protein forms K1177Q.
Identifiers: ClinVar variation 571344 (VCV000571344.17), dbSNP rs756313788, ClinGen allele CA8690354.
Genomic context (GRCh38, chr17:61,683,517, plus strand): 5'-CATTCAACTTTGTATCTATGCAATCCTCAGCTTTCACTTCTCTGGCTGAATCTACTTCTT[T>G]TATAGTTCTAATTTCAAAAAGGTCTTTAGCTAAAATGCAATCTGAATTGTTAGCCAATCT-3'
Protein context (NP_114432.2, residues 1167-1187): AKDLFEIRTI[Lys1177Gln]EVDSAREVKA